The following is an entry in ClinVar:

ClinVar aggregate classification (germline): Uncertain significance (1 of 4 stars; one submission).

Conditions:
Hereditary cancer-predisposing syndrome. Also called: Neoplastic Syndromes, Hereditary; Hereditary neoplastic syndrome; Tumor predisposition; Hereditary Cancer Syndrome. Identifiers: Orphanet 140162, MedGen C0027672, MeSH D009386, MONDO:0015356.

Allele frequency attached by ClinVar (database versions not stated): gnomAD exomes below 0.00001.
gnomAD v4.1: 1 of 1,614,170 alleles (0.000062%); highest among the groups gnomAD compares: East Asian, 0.0022%; no homozygotes.

Submission:

Ambry Genetics
Classification: Uncertain significance for Hereditary cancer-predisposing syndrome. Last evaluated: 2025-01-17. Review status: criteria provided, single submitter. Criteria: Ambry Variant Classification Scheme 2023. Collection method: clinical testing. Allele origin: germline.
Comment: The p.L324P variant (also known as c.971T>C), located in coding exon 8 of the SUFU gene, results from a T to C substitution at nucleotide position 971. The leucine at codon 324 is replaced by proline, an amino acid with similar properties. This amino acid position is conserved. In addition, the in silico prediction for this alteration is inconclusive. Since supporting evidence is limited at this time, the clinical significance of this alteration remains unclear.

NM_016169.4(SUFU):c.971T>C (p.Leu324Pro)

Gene: SUFU (SUFU negative regulator of hedgehog signaling; plus strand). Cytogenetic location: 10q24.32.
Variant type: single nucleotide variant.
Coding change: c.971T>C on transcript NM_016169.4 (MANE Select); coding-DNA position 971, T replaced by C.
Protein change: p.Leu324Pro; replaces leucine 324 with proline.
Molecular consequence: missense variant.
Genome position (GRCh38, 1-based): chr10:102,599,493, T>C. VCF-style: chr10-102599493-T-C. GRCh37 (hg19) VCF-style: chr10-104359250-T-C.
Other names: c.971T>C, p.Leu324Pro (NM_001178133.2); short protein forms L324P.
Identifiers: ClinVar variation 2482581 (VCV002482581.3), dbSNP rs1170234423, ClinGen allele CA377911114.